The following is an entry in ClinVar:

ClinVar aggregate classification (germline): Likely benign (1 of 4 stars; one submission).

gnomAD v4.1: 7 of 1,613,996 alleles (0.00043%); highest among the groups gnomAD compares: Non-Finnish European, 0.00059%; no homozygotes.

Submission:

Women's Health and Genetics/Laboratory Corporation of America, LabCorp
Classification: Likely benign. Last evaluated: 2026-04-21. Review status: criteria provided, single submitter. Criteria: LabCorp Variant Classification Summary - May 2015. Collection method: clinical testing. Allele origin: germline.
Comment: Variant summary: NSD1 c.6300G>A alters a conserved nucleotide resulting in a synonymous change. Consensus agreement among computation tools predict no significant impact on normal splicing. However, these predictions have yet to be confirmed by functional studies. The variant was absent in 250798 control chromosomes. The available data on variant occurrences in the general population are insufficient to allow any conclusion about variant significance. To our knowledge, no occurrence of c.6300G>A in individuals affected with NSD1-related conditions and no experimental evidence demonstrating its impact on protein function have been reported. No submitters have cited clinical-significance assessments for this variant to ClinVar. Based on the evidence outlined above, the variant was classified as likely benign.

NM_022455.5(NSD1):c.6300G>A (p.Lys2100=)

Gene: NSD1 (nuclear receptor binding SET domain protein 1; plus strand). Cytogenetic location: 5q35.3.
Variant type: single nucleotide variant.
Coding change: c.6300G>A on transcript NM_022455.5 (MANE Select); coding-DNA position 6300, G replaced by A.
Protein change: p.Lys2100=; no amino-acid change (lysine 2100 retained).
Molecular consequence: synonymous variant.
Genome position (GRCh38, 1-based): chr5:177,291,995, G>A. VCF-style: chr5-177291995-G-A. GRCh37 (hg19) VCF-style: chr5-176718996-G-A.
Other names: c.5427G>A, p.Lys1809= (NM_001365684.2, NM_001409308.1, NM_172349.5); c.6300G>A, p.Lys2100= (NM_001409301.1, NM_001409302.1, NM_001409303.1); c.5880G>A, p.Lys1960= (NM_001409304.1); c.5547G>A, p.Lys1849= (NM_001409305.1); c.5538G>A, p.Lys1846= (NM_001409306.1, NM_001409307.1); c.5178G>A, p.Lys1726= (NM_001409309.1).
Identifiers: ClinVar variation 4848350 (VCV004848350.1).
Genomic context (GRCh38, chr5:177,291,995, plus strand): 5'-TTCAATATCTGACCTGTAGAATCAACCCATTGCCACGGAAGAAAAGTCAAAGAAATTCAA[G>A]AAGAAGCAACAGGGAAAGCGCAGGACCCAGGGTGAAATCACAAAGGAGCGAGAAGATGAG-3'
Protein context (NP_071900.2, residues 2090-2110): IATEEKSKKF[Lys2100=]KKQQGKRRTQ